The following is an entry in ClinVar:

NM_001276270.2(MBD4):c.986C>A (p.Thr329Asn)

Gene: MBD4 (methyl-CpG binding domain 4, DNA glycosylase; minus strand). Cytogenetic location: 3q21.3.
Variant type: single nucleotide variant.
Coding change: c.986C>A on transcript NM_001276270.2 (MANE Select); coding-DNA position 986, C replaced by A.
Protein change: p.Thr329Asn; replaces threonine 329 with asparagine.
Molecular consequence: missense variant. On other transcripts: intron variant (1).
Genome position (GRCh38, 1-based): chr3:129,436,658, G>T on the plus strand (C>A on the coding strand, the complement: MBD4 is on the minus strand). VCF-style: chr3-129436658-G-T. GRCh37 (hg19) VCF-style: chr3-129155501-G-T.
Other names: c.986C>A, p.Thr329Asn (NM_001276271.2, NM_001276272.2, NM_003925.3); c.247+1150C>A (NM_001276273.2); short protein forms T329N.
Identifiers: ClinVar variation 2192942 (VCV002192942.5), dbSNP rs1559800631, ClinGen allele CA354466810.

ClinVar aggregate classification (germline): Uncertain significance. Review status: criteria provided, multiple submitters, no conflicts (2 of 4 stars). 2 submissions from 2 submitters: Uncertain significance (2). Last evaluated 2025-03-02.

Conditions:
Inborn genetic diseases. Identifiers: MedGen C0950123, MeSH D030342.

Submissions (2):

Ambry Genetics
Classification: Uncertain significance for Inborn genetic diseases. Last evaluated: 2025-03-02. Review status: criteria provided, single submitter. Criteria: Ambry Variant Classification Scheme 2023. Collection method: clinical testing. Allele origin: germline.
Comment: The p.T329N variant (also known as c.986C>A), located in coding exon 3 of the MBD4 gene, results from a C to A substitution at nucleotide position 986. The threonine at codon 329 is replaced by asparagine, an amino acid with similar properties. This amino acid position is conserved. In addition, the in silico prediction for this alteration is inconclusive. Based on the available evidence, the clinical significance of this variant remains unclear.

Labcorp Genetics (formerly Invitae), Labcorp
Classification: Uncertain significance. Last evaluated: 2025-02-17. Review status: criteria provided, single submitter. Criteria: Invitae Variant Classification Sherloc (09022015). Collection method: clinical testing. Allele origin: germline.
Comment: This sequence change replaces threonine, which is neutral and polar, with asparagine, which is neutral and polar, at codon 329 of the MBD4 protein (p.Thr329Asn). This variant is not present in population databases (gnomAD no frequency). This variant has not been reported in the literature in individuals affected with MBD4-related conditions. ClinVar contains an entry for this variant (Variation ID: 2192942). An algorithm developed to predict the effect of missense changes on protein structure and function (PolyPhen-2) suggests that this variant is likely to be disruptive. In summary, the available evidence is currently insufficient to determine the role of this variant in disease. Therefore, it has been classified as a Variant of Uncertain Significance.